The following is an entry in ClinVar:

ClinVar aggregate classification (germline): Pathogenic (1 of 4 stars; one submission).

Conditions:
Hereditary cancer-predisposing syndrome. Also called: Neoplastic Syndromes, Hereditary; Tumor predisposition; Hereditary neoplastic syndrome; Hereditary Cancer Syndrome. Identifiers: Orphanet 140162, MedGen C0027672, MeSH D009386, MONDO:0015356.

Submission:

Ambry Genetics
Classification: Pathogenic for Hereditary cancer-predisposing syndrome. Last evaluated: 2026-06-17. Review status: criteria provided, single submitter. Criteria: Ambry Variant Classification Scheme 2023. Collection method: clinical testing. Allele origin: germline.
Comment: The c.8963_8970delGTATTTGG pathogenic mutation, located in coding exon 22 of the BRCA2 gene, results from a deletion of 8 nucleotides at nucleotide positions 8963 to 8970, causing a translational frameshift with a predicted alternate stop codon (p.S2988Tfs*27). This variant is considered to be rare based on population cohorts in the Genome Aggregation Database (gnomAD). This alteration is expected to result in loss of function by premature protein truncation or nonsense-mediated mRNA decay. As such, this alteration is interpreted as a disease-causing mutation.

NM_000059.4(BRCA2):c.8963_8970del (p.Ser2988fs)

Gene: BRCA2 (BRCA2 DNA repair associated; plus strand). Cytogenetic location: 13q13.1.
Variant type: Deletion.
Coding change: c.8963_8970del on transcript NM_000059.4 (MANE Select); coding-DNA positions 8963 to 8970, 8 bases deleted (GTATTTGG; older notation c.8963_8970delGTATTTGG).
Protein change: p.Ser2988fs; shifts the reading frame from serine 2988.
Molecular consequence: frameshift variant. On other transcripts: non-coding transcript variant (1), intron variant (1).
Genome position (GRCh38, 1-based): chr13:32,379,759-32,379,766, GTATTTGG deleted. VCF-style (leftmost placement, unchanged base first): chr13-32379758-AGTATTTGG-A. GRCh37 (hg19) VCF-style: chr13-32953895-AGTATTTGG-A.
Other names: c.8867_8874del, p.Ser2956fs (NM_001406719.1); c.4031_4038del, p.Ser1344fs (NM_001406721.1); c.2546_2553del, p.Ser849fs (NM_001406722.1); c.8963_8970del, p.Ser2988fs (NM_001432077.1); c.8954-42_8954-35del (NM_001406720.1); short protein forms S1344fs, S2956fs, S849fs, S2988fs.
Identifiers: ClinVar variation 5033240 (VCV005033240.1).